The following is an entry in ClinVar:

NM_001110556.2(FLNA):c.4314C>G (p.Phe1438Leu)

Gene: FLNA (filamin A; minus strand). Cytogenetic location: Xq28.
Variant type: single nucleotide variant.
Coding change: c.4314C>G on transcript NM_001110556.2 (MANE Select); coding-DNA position 4314, C replaced by G.
Protein change: p.Phe1438Leu; replaces phenylalanine 1438 with leucine.
Molecular consequence: missense variant.
Genome position (GRCh38, 1-based): chrX:154,359,144, G>C on the plus strand (C>G on the coding strand, the complement: FLNA is on the minus strand). VCF-style: chrX-154359144-G-C. GRCh37 (hg19) VCF-style: chrX-153587512-G-C.
Other names: c.4314C>G, p.Phe1438Leu (NM_001456.4); short protein forms F1438L.
Identifiers: ClinVar variation 625948 (VCV000625948.3), dbSNP rs1557177412, ClinGen allele CA415217388.

ClinVar aggregate classification (germline): Uncertain significance (1 of 4 stars; one submission).

Conditions:
Intestinal pseudoobstruction, neuronal, chronic idiopathic, X-linked (CIIPX). Also called: FLNA-Related Periventricular Nodular Heterotopia (FLNA-Related PVNH; Huttenlocher Syndrome); CONGENITAL IDIOPATHIC INTESTINAL PSEUDOOBSTRUCTION; INTESTINAL PSEUDOOBSTRUCTION, NEURONAL, CHRONIC IDIOPATHIC, WITH CENTRAL NERVOUS SYSTEM INVOLVEMENT. Identifiers: Orphanet 2301, MedGen C2746068, MONDO:0010232, OMIM 300048.
Cardiac valvular dysplasia, X-linked (CVDPX). Also called: Congenital valvular dysplasia; Isolated X-Linked Cardiac Valvular Dysplasia; FLNA-Related X-linked Cardiac Valvular Dysplasia; MYXOMATOUS VALVULAR DYSTROPHY, X-LINKED; VALVULAR HEART DISEASE, CONGENITAL. Identifiers: Orphanet 1864, Orphanet 555877, Orphanet 75497, MedGen C0262436, MONDO:0010753, OMIM 314400.
Heterotopia, periventricular, X-linked dominant (PVNH1). Also called: PERIVENTRICULAR NODULAR HETEROTOPIA 4; HETEROTOPIA, PERIVENTRICULAR, 1; PERIVENTRICULAR NODULAR HETEROTOPIA 1; X-linked periventricular heterotopia. Identifiers: Orphanet 2149, Orphanet 82004, MedGen C1848213, MONDO:0010233, OMIM 300049.
Oto-palato-digital syndrome, type II (OPD2). Also called: Otopalatodigital Syndrome, Type II; FACIOPALATOOSSEOUS SYNDROME; OPD II SYNDROME; Otopalatodigital Syndrome Type 2 (FLNA-OPD2). Identifiers: Orphanet 669, Orphanet 90652, MedGen C1844696, MONDO:0010571, OMIM 304120.
Oto-palato-digital syndrome, type I (OPD1). Also called: Taybi syndrome; Otopalatodigital Syndrome, Type I; OPD I SYNDROME; OPD SYNDROME 1; Otopalatodigital Syndrome Type 1 (FLNA-OPD1). Identifiers: Orphanet 669, Orphanet 90650, MedGen C0265251, MONDO:0010704, OMIM 311300.
Frontometaphyseal dysplasia 1 (FMD1). Also called: Frontometaphyseal Dysplasia (FLNA-FMD). Identifiers: Orphanet 1826, MedGen C4281559, MONDO:0024550, OMIM 305620.
Terminal osseous dysplasia-pigmentary defects syndrome. Also called: Terminal Osseous Dysplasia (FLNA-TOD); ODPD; TERMINAL OSSEOUS DYSPLASIA AND PIGMENTARY DEFECTS; ODPF SYNDROME; OSSEOUS DYSPLASIA, DIGITAL, WITH FACIAL PIGMENTARY DEFECTS AND MULTIPLE FRENULA. Identifiers: Orphanet 88630, MedGen C1846129, MONDO:0010279, OMIM 300244.
FG syndrome 2 (FGS2). Identifiers: MedGen C1845902, MONDO:0010297, OMIM 300321.
Melnick-Needles syndrome (MNS). Also called: MELNICK-NEEDLES OSTEODYSPLASTY; OSTEODYSPLASTY OF MELNICK AND NEEDLES; Melnick-Needles Syndrome (FLNA-MNS). Identifiers: Orphanet 2484, MedGen C0025237, MONDO:0010650, OMIM 309350.

Submission:

Center for Genomics, Ann and Robert H. Lurie Children's Hospital of Chicago
Classification: Uncertain significance for Oto-palato-digital syndrome, type II; Intestinal pseudoobstruction, neuronal, chronic idiopathic, X-linked; Cardiac valvular dysplasia, X-linked; FG syndrome 2; Melnick-Needles syndrome; Terminal osseous dysplasia-pigmentary defects syndrome; Oto-palato-digital syndrome, type I; Heterotopia, periventricular, X-linked dominant; Frontometaphyseal dysplasia 1. Review status: criteria provided, single submitter. Criteria: ACMG Guidelines, 2015. Collection method: clinical testing. Allele origin: germline.
Comment: FLNA NM_001456.3 exon 26 p.Phe1438Leu (c.4314C>G): This variant has not been reported in the literature and is not present in large control databases. Evolutionary conservation and computational predictive tools suggest that this variant may impact the protein. In summary, data on this variant is insufficient for disease classification. Therefore, the clinical significance of this variant is uncertain.